The following is an entry in ClinVar:

ClinVar aggregate classification (germline): Benign/Likely benign. Review status: criteria provided, multiple submitters, no conflicts (2 of 4 stars). 8 submissions from 8 submitters: Benign (2); Likely benign (5). 1 of the submissions does not count toward it. Last evaluated 2026-01-05.

Conditions:
Hereditary cancer-predisposing syndrome. Also called: Neoplastic Syndromes, Hereditary; Tumor predisposition; Hereditary Cancer Syndrome; Hereditary neoplastic syndrome. Identifiers: Orphanet 140162, MedGen C0027672, MeSH D009386, MONDO:0015356.
POLE-related disorder. Also called: POLE-related disorders; POLE-related condition.

Allele frequency attached by ClinVar (database versions not stated): gnomAD 0.00006; ExAC 0.00007; ESP Exome Variant Server 0.00008; gnomAD exomes 0.00008; TOPMed 0.00008.
gnomAD v4.1: 47 of 1,613,766 alleles (0.0029%); highest among the groups gnomAD compares: East Asian, 0.031%; no homozygotes.

Submissions (8):

Labcorp Genetics (formerly Invitae), Labcorp
Classification: Likely benign. Last evaluated: 2026-01-05. Review status: criteria provided, single submitter. Criteria: Invitae Variant Classification Sherloc (09022015). Collection method: clinical testing. Allele origin: germline.

Women's Health and Genetics/Laboratory Corporation of America, LabCorp
Classification: Likely benign. Last evaluated: 2025-01-04. Review status: criteria provided, single submitter. Criteria: LabCorp Variant Classification Summary - May 2015. Collection method: clinical testing. Allele origin: germline.

Sema4
Classification: Benign for Hereditary cancer-predisposing syndrome. Last evaluated: 2021-05-21. Review status: criteria provided, single submitter. Criteria: Sema4 Curation Guidelines. Collection method: curation. Allele origin: germline.

Blueprint Genetics
Classification: Likely benign. Last evaluated: 2021-03-09. Review status: criteria provided, single submitter. Criteria: ACMG Guidelines, 2015. Collection method: clinical testing. Allele origin: germline.

GeneDx
Classification: Likely benign. Last evaluated: 2018-02-27. Review status: criteria provided, single submitter. Criteria: GeneDx Variant Classification (06012015). Collection method: clinical testing. Allele origin: germline. Affected: yes.
Comment: This variant is considered likely benign or benign based on one or more of the following criteria: it is a conservative change, it occurs at a poorly conserved position in the protein, it is predicted to be benign by multiple in silico algorithms, and/or has population frequency not consistent with disease.

Quest Diagnostics Nichols Institute San Juan Capistrano
Classification: Benign. Last evaluated: 2018-01-16. Review status: criteria provided, single submitter. Criteria: Quest Diagnostics criteria. Collection method: clinical testing. Allele origin: germline.

Ambry Genetics
Classification: Likely benign for Hereditary cancer-predisposing syndrome. Last evaluated: 2015-08-30. Review status: criteria provided, single submitter. Criteria: Ambry Variant Classification Scheme 2023. Collection method: clinical testing. Allele origin: germline.

PreventionGenetics, part of Exact Sciences
Classification: Likely benign for POLE-related condition. Last evaluated: 2020-09-02. Review status: no assertion criteria provided. Collection method: clinical testing. Allele origin: germline. Not counted in ClinVar's aggregate classification.
Comment: This variant is classified as likely benign based on ACMG/AMP sequence variant interpretation guidelines (Richards et al. 2015 PMID: 25741868, with internal and published modifications).

NM_006231.4(POLE):c.2262C>T (p.Tyr754=)

Gene: POLE (DNA polymerase epsilon, catalytic subunit; minus strand). Cytogenetic location: 12q24.33.
Variant type: single nucleotide variant.
Coding change: c.2262C>T on transcript NM_006231.4 (MANE Select); coding-DNA position 2262, C replaced by T.
Protein change: p.Tyr754=; no amino-acid change (tyrosine 754 retained).
Molecular consequence: synonymous variant.
Genome position (GRCh38, 1-based): chr12:132,667,560, G>A on the plus strand (C>T on the coding strand, the complement: POLE is on the minus strand). VCF-style: chr12-132667560-G-A. GRCh37 (hg19) VCF-style: chr12-133244146-G-A.
Identifiers: ClinVar variation 382327 (VCV000382327.24), dbSNP rs145337550, ClinGen allele CA6893618.